The following is an entry in ClinVar:

NM_001035.3(RYR2):c.3362del (p.Gly1121fs)

Gene: RYR2 (ryanodine receptor 2; plus strand). Cytogenetic location: 1q43.
Variant type: Deletion.
Coding change: c.3362del on transcript NM_001035.3 (MANE Select); coding-DNA position 3362, one base deleted (G; older notation c.3362delG).
Protein change: p.Gly1121fs; shifts the reading frame from glycine 1121.
Molecular consequence: frameshift variant.
Genome position (GRCh38, 1-based): chr1:237,566,714, G deleted; the last of 2 consecutive G bases (chr1:237,566,713-237,566,714); deleting either gives the same sequence. VCF-style (leftmost placement, unchanged base first): chr1-237566712-TG-T. GRCh37 (hg19) VCF-style: chr1-237730012-TG-T.
Other names: short protein forms G1121fs.
Identifiers: ClinVar variation 3641979 (VCV003641979.2).

ClinVar aggregate classification (germline): Uncertain significance (1 of 4 stars; one submission).

Conditions:
Catecholaminergic polymorphic ventricular tachycardia 1. Also called: RYR2-Related Catecholaminergic Polymorphic Ventricular Tachycardia; VENTRICULAR TACHYCARDIA, CATECHOLAMINERGIC POLYMORPHIC, 1, WITH OR WITHOUT ATRIAL DYSFUNCTION AND/OR DILATED CARDIOMYOPATHY; VENTRICULAR TACHYCARDIA, STRESS-INDUCED POLYMORPHIC 1. Identifiers: Orphanet 3286, MedGen C1631597, MONDO:0011484, OMIM 604772.

Submission:

Labcorp Genetics (formerly Invitae), Labcorp
Classification: Uncertain significance for Catecholaminergic polymorphic ventricular tachycardia 1. Last evaluated: 2024-02-25. Review status: criteria provided, single submitter. Criteria: Invitae Variant Classification Sherloc (09022015). Collection method: clinical testing. Allele origin: germline.
Comment: This sequence change creates a premature translational stop signal (p.Gly1121Valfs*48) in the RYR2 gene. It is expected to result in an absent or disrupted protein product. However, the current clinical and genetic evidence is not sufficient to establish whether loss-of-function variants in RYR2 cause disease. This variant is not present in population databases (gnomAD no frequency). This variant has not been reported in the literature in individuals affected with RYR2-related conditions. In summary, the available evidence is currently insufficient to determine the role of this variant in disease. Therefore, it has been classified as a Variant of Uncertain Significance.